The following is an entry in ClinVar:

NM_000719.7(CACNA1C):c.3946-51C>T

Gene: CACNA1C (calcium voltage-gated channel subunit alpha1 C; plus strand). Cytogenetic location: 12p13.33.
Variant type: single nucleotide variant.
Coding change: c.3946-51C>T on transcript NM_000719.7 (MANE Select); 51 bases into the intron before coding-DNA position 3946, C replaced by T.
Molecular consequence: intron variant. On other transcripts: missense variant (1).
Genome position (GRCh38, 1-based): chr12:2,651,589, C>T. VCF-style: chr12-2651589-C-T. GRCh37 (hg19) VCF-style: chr12-2760755-C-T.
Other names: c.4090-51C>T (NM_199460.4, NM_001129827.2); c.4006-51C>T (NM_001129832.2); c.4030-51C>T (NM_001129831.2); c.3946-51C>T (NM_001129833.2, NM_001129842.2, NM_001129834.2 and 7 more transcripts); c.3913-51C>T (NM_001129837.2, NM_001129838.2, NM_001129846.2 and 1 more transcripts); c.3907-51C>T (NM_001129839.2); c.3997-51C>T (NM_001129836.2); c.3937-51C>T (NM_001129844.2); and 2 more; short protein forms H1321Y.
Identifiers: ClinVar variation 191423 (VCV000191423.6), dbSNP rs202216172, ClinGen allele CA236605.
Genomic context (GRCh38, chr12:2,651,589, plus strand): 5'-TGGCCTGCCTTCCGCCACTGCCACTGAGGTCTGTATTTCTCGGAGGGGCCCTCCTGTTCT[C>T]ACCCCCCTCTTGCTGTGCTAACTGCACCTCCTGTTGCCGACGGGTTCCAGAACGCAGAGG-3'

ClinVar aggregate classification (germline): Conflicting classifications of pathogenicity. Review status: criteria provided, conflicting classifications (1 of 4 stars). 4 submissions from 4 submitters: Uncertain significance (3); Likely benign (1). Last evaluated 2022-09-19.

Conditions:
CACNA1C-related disorder. Also called: CACNA1C-related disorders; CACNA1C-related condition. Identifiers: MedGen CN381092, MONDO:0700321.
Cardiovascular phenotype. Identifiers: MedGen CN230736.

Allele frequency attached by ClinVar (database versions not stated): gnomAD exomes 0.00003; ExAC 0.00004; gnomAD 0.00005; TOPMed 0.00009.
gnomAD v4.1: 59 of 1,613,592 alleles (0.0037%); highest among the groups gnomAD compares: Non-Finnish European, 0.0046%; no homozygotes.

Submissions (4):

PreventionGenetics, part of Exact Sciences
Classification: Uncertain significance for CACNA1C-related condition. Last evaluated: 2022-09-19. Review status: criteria provided, single submitter. Criteria: ACMG Guidelines, 2015. Collection method: clinical testing. Allele origin: germline.
Comment: The CACNA1C c.3961C>T variant is predicted to result in the amino acid substitution p.His1321Tyr. This variant is referred to as c.3946-51C>T (Intronic) with an alternate transcript NM_000719.6. To our knowledge, this variant has not been reported in the literature. This variant is reported in 0.0065% of alleles in individuals of African descent in gnomAD. At this time, the clinical significance of this variant is uncertain due to the absence of conclusive functional and genetic evidence.

Ambry Genetics
Classification: Likely benign for Cardiovascular phenotype. Last evaluated: 2021-12-07. Review status: criteria provided, single submitter. Criteria: Ambry Variant Classification Scheme 2023. Collection method: clinical testing. Allele origin: germline.

GeneDx
Classification: Uncertain significance. Last evaluated: 2015-04-17. Review status: criteria provided, single submitter. Criteria: GeneDx Variant Classification (06012015). Collection method: clinical testing. Allele origin: germline. Affected: yes.
Comment: The H1321Y variant has not been published as a pathogenic variant, nor has it been reported as a benign polymorphism to our knowledge. The H1321Y variant was not observed in approximately 3,500 individuals of European and African American ancestry in the NHLBI Exome Sequencing Project, indicating it is not a common benign variant in these populations. The H1321Y variant is a non-conservative amino acid substitution, which is likely to impact secondary protein structure as these residues differ in polarity, charge, size and/or other properties. However, this substitution occurs at a position that is not conserved across species. In silico analysis predicts this variant likely does not alter the protein structure/function. Furthermore, H1321Y occurs in an alternate transcript of CACNA1C where no variants have been reported in the Human Gene Mutation Database to date (Stenson P et al., 2014). Therefore, based on the currently available information, it is unclear whether this variant is a pathogenic or a rare benign variant.

Biesecker Lab/Clinical Genomics Section, National Institutes of Health
Classification: Uncertain significance. Last evaluated: 2013-06-24. Review status: criteria provided, single submitter. Criteria: Ng et al. (Circ Cardiovasc Genet. 2013). Collection method: research. Allele origin: unknown. Observed: 1 variant allele. Study: ClinSeq.
Comment: The study set was not selected for affection status in relation to any cancer. Pathogenicity categories were based on literature curation. See Pubmed ID:23861362 for details.

Medical sequencing